The following is an entry in ClinVar:

NM_001204.7(BMPR2):c.1714A>C (p.Met572Leu)

Gene: BMPR2 (bone morphogenetic protein receptor type 2; plus strand). Cytogenetic location: 2q33.2.
Variant type: single nucleotide variant.
Coding change: c.1714A>C on transcript NM_001204.7 (MANE Select); coding-DNA position 1714, A replaced by C.
Protein change: p.Met572Leu; replaces methionine 572 with leucine.
Molecular consequence: missense variant.
Genome position (GRCh38, 1-based): chr2:202,555,379, A>C. VCF-style: chr2-202555379-A-C. GRCh37 (hg19) VCF-style: chr2-203420102-A-C.
Other names: short protein forms M572L.
Identifiers: ClinVar variation 2388069 (VCV002388069.5), dbSNP rs183518211, ClinGen allele CA2061432.

ClinVar aggregate classification (germline): Uncertain significance. Review status: criteria provided, multiple submitters, no conflicts (2 of 4 stars). 3 submissions from 3 submitters: Uncertain significance (3). Last evaluated 2025-06-13.

Conditions:
Pulmonary hypertension, primary, 1 (PPH1). Also called: Pulmonary hypertension, familial primary, 1, with or without HHT. Identifiers: Orphanet 422, MedGen C4552070, MONDO:0024533, OMIM 178600.
Pulmonary venoocclusive disease 1 (PVOD1). Also called: Pulmonary venoocclusive disease 1, autosomal dominant. Identifiers: Orphanet 31837, MedGen C3887658, MONDO:0020713, OMIM 265450.
Inborn genetic diseases. Identifiers: MedGen C0950123, MeSH D030342.

Allele frequency attached by ClinVar (database versions not stated): ExAC 0.00006; 1000 Genomes Project 30x 0.00031; 1000 Genomes Project 0.00020.
gnomAD v4.1: 14 of 1,614,184 alleles (0.00087%); highest among the groups gnomAD compares: Admixed American, 0.022%; 1 homozygote.

Submissions (3):

Ambry Genetics
Classification: Uncertain significance for Inborn genetic diseases. Last evaluated: 2025-06-13. Review status: criteria provided, single submitter. Criteria: Ambry Variant Classification Scheme 2023. Collection method: clinical testing. Allele origin: germline.
Comment: The p.M572L variant (also known as c.1714A>C), located in coding exon 12 of the BMPR2 gene, results from an A to C substitution at nucleotide position 1714. The methionine at codon 572 is replaced by leucine, an amino acid with highly similar properties. This amino acid position is conserved. In addition, this alteration is predicted to be tolerated by in silico analysis. Based on the available evidence, the clinical significance of this variant remains unclear.

Fulgent Genetics
Classification: Uncertain significance for Pulmonary hypertension, primary, 1; Pulmonary venoocclusive disease 1. Last evaluated: 2024-05-02. Review status: criteria provided, single submitter. Criteria: ACMG Guidelines, 2015. Collection method: clinical testing. Allele origin: germline.

ARUP Laboratories, Molecular Genetics and Genomics, ARUP Laboratories
Classification: Uncertain significance. Last evaluated: 2024-04-19. Review status: criteria provided, single submitter. Criteria: ARUP Molecular Germline Variant Investigation Process 2024. Collection method: clinical testing. Allele origin: germline.
Comment: The BMPR2 c.1714A>C; p.Met572Leu variant (rs183518211), to our knowledge, is not reported in the medical literature but is reported in ClinVar (Variation ID: 2388069). This variant is found in the Admixed American population with an allele frequency of 0.04% (15/34590 alleles, including 1 homozygote) in the Genome Aggregation Database (v2.1.1). Computational analyses predict that this variant is neutral (REVEL: 0.125). Due to limited information, the clinical significance of this variant is uncertain at this time.